The following is an entry in ClinVar:

ClinVar aggregate classification (germline): Likely benign (1 of 4 stars; one submission).

Allele frequency attached by ClinVar (database versions not stated): gnomAD exomes below 0.00001 and 0.00001; ExAC 0.00001; TOPMed 0.00002.

Submission:

GeneDx
Classification: Likely benign. Last evaluated: 2017-04-25. Review status: criteria provided, single submitter. Criteria: GeneDx Variant Classification (06012015). Collection method: clinical testing. Allele origin: germline. Affected: yes.
Comment: This variant is considered likely benign or benign based on one or more of the following criteria: it is a conservative change, it occurs at a poorly conserved position in the protein, it is predicted to be benign by multiple in silico algorithms, and/or has population frequency not consistent with disease.

NM_002878.4(RAD51D):c.-22G>A

Genes: RAD51D (RAD51 paralog D; minus strand), RAD51L3-RFFL (RAD51L3-RFFL readthrough; minus strand). Cytogenetic location: 17q12.
Variant type: single nucleotide variant.
Coding change: c.-22G>A on transcript NM_002878.4 (MANE Select); 22 bases upstream of the start codon, G replaced by A.
Molecular consequence: 5 prime UTR variant. On other transcripts: non-coding transcript variant (2).
Genome position (GRCh38, 1-based): chr17:35,119,635, C>T on the plus strand (G>A on the coding strand, the complement: RAD51D is on the minus strand). VCF-style: chr17-35119635-C-T. GRCh37 (hg19) VCF-style: chr17-33446654-C-T.
Other names: c.-22G>A (NM_001142571.2, NM_133629.3).
Identifiers: ClinVar variation 509214 (VCV000509214.1), dbSNP rs756566632, ClinGen allele CA8499714.